The following is an entry in ClinVar:

ClinVar aggregate classification (germline): Benign/Likely benign. Review status: criteria provided, multiple submitters, no conflicts (2 of 4 stars). 5 submissions from 4 submitters: Benign (1); Likely benign (4). Last evaluated 2025-12-23.

Conditions:
Short-rib thoracic dysplasia 7 with or without polydactyly (SRTD7). Also called: Short rib polydactyly syndrome 5; SHORT-RIB THORACIC DYSPLASIA 7 WITH POLYDACTYLY. Identifiers: Orphanet 498497, Orphanet 93271, MedGen C3279792, MONDO:0013569, OMIM 614091.
Cranioectodermal dysplasia 2 (CED2). Identifiers: Orphanet 1515, MedGen C3150874, MONDO:0013323, OMIM 613610.

Allele frequency attached by ClinVar (database versions not stated): gnomAD exomes 0.00018 and 0.00059; ExAC 0.00074; gnomAD 0.00217 and 0.00233; TOPMed 0.00252; ESP Exome Variant Server 0.00292; 1000 Genomes Project 30x 0.00312; 1000 Genomes Project 0.00339.
gnomAD v4.1: 612 of 1,613,652 alleles (0.038%); highest among the groups gnomAD compares: African/African-American, 0.7%; 1 homozygote.

Submissions (5):

Labcorp Genetics (formerly Invitae), Labcorp
Classification: Benign for Cranioectodermal dysplasia 2; Short-rib thoracic dysplasia 7 with or without polydactyly. Last evaluated: 2025-12-23. Review status: criteria provided, single submitter. Criteria: Invitae Variant Classification Sherloc (09022015). Collection method: clinical testing. Allele origin: germline.

ARUP Laboratories, Molecular Genetics and Genomics, ARUP Laboratories
Classification: Likely benign. Last evaluated: 2025-02-25. Review status: criteria provided, single submitter. Criteria: ARUP Molecular Germline Variant Investigation Process 2024. Collection method: clinical testing. Allele origin: germline.

GeneDx
Classification: Likely benign. Last evaluated: 2021-04-27. Review status: criteria provided, single submitter. Criteria: GeneDx Variant Classification Process June 2021. Collection method: clinical testing. Allele origin: germline. Affected: yes.

Illumina Laboratory Services, Illumina
Classification: Likely benign for Cranioectodermal dysplasia 2. Last evaluated: 2018-01-12. Review status: criteria provided, single submitter. Criteria: ICSL Variant Classification Criteria 13 December 2019. Collection method: clinical testing. Allele origin: germline.
Comment: This variant was observed in the ICSL laboratory as part of a predisposition screen in an ostensibly healthy population. It had not been previously curated by ICSL or reported in the Human Gene Mutation Database (HGMD: prior to June 1st, 2018), and was therefore a candidate for classification through an automated scoring system. Utilizing variant allele frequency, disease prevalence and penetrance estimates, and inheritance mode, an automated score was calculated to assess if this variant is too frequent to cause the disease. Based on the score and internal cut-off values, a variant classified as likely benign is not then subjected to further curation. The score for this variant resulted in a classification of likely benign for this disease.

Illumina Laboratory Services, Illumina
Classification: Likely benign for Short-rib thoracic dysplasia 7 with or without polydactyly. Last evaluated: 2018-01-12. Review status: criteria provided, single submitter. Criteria: ICSL Variant Classification Criteria 13 December 2019. Collection method: clinical testing. Allele origin: germline.
Comment: the same text as in the submission from Illumina Laboratory Services, Illumina above.

NM_020779.4(WDR35):c.1591C>G (p.Leu531Val)

Gene: WDR35 (WD repeat domain 35; minus strand). Cytogenetic location: 2p24.1.
Variant type: single nucleotide variant.
Coding change: c.1591C>G on transcript NM_020779.4 (MANE Select); coding-DNA position 1591, C replaced by G.
Protein change: p.Leu531Val; replaces leucine 531 with valine.
Molecular consequence: missense variant.
Genome position (GRCh38, 1-based): chr2:19,946,504, G>C on the plus strand (C>G on the coding strand, the complement: WDR35 is on the minus strand). VCF-style: chr2-19946504-G-C. GRCh37 (hg19) VCF-style: chr2-20146265-G-C.
Other names: c.1624C>G, p.Leu542Val (NM_001006657.2); short protein forms L542V, L531V.
Identifiers: ClinVar variation 333393 (VCV000333393.26), dbSNP rs148242353, ClinGen allele CA1543169.
Genomic context (GRCh38, chr2:19,946,504, plus strand): 5'-AGAGTTTTCAGGCTTACCTAGAGTTGCAATTCAAGGATAACTGGTAGGCTCGACAATTAA[G>C]GGAATATTTTTGAATCAAACCAACATTAGGTAGACTGTATCTCTGAATGGTGCCAGATTC-3'
Protein context (NP_065830.2, residues 521-541): PNVGLIQKYS[Leu531Val]NCRAYQLSLN